The following is an entry in ClinVar:

ClinVar aggregate classification (germline): Uncertain significance (1 of 4 stars; one submission).

Conditions:
Familial thoracic aortic aneurysm and aortic dissection (TAAD). Also called: Thoracic aortic aneurysms and dissections. Identifiers: Orphanet 91387, MedGen C4707243, MONDO:0019625.

gnomAD v4.1: 9 of 1,613,934 alleles (0.00056%); highest among the groups gnomAD compares: Non-Finnish European, 0.00059%; no homozygotes.

Submission:

Ambry Genetics
Classification: Uncertain significance for Familial thoracic aortic aneurysm and aortic dissection. Last evaluated: 2026-08-24. Review status: criteria provided, single submitter. Criteria: Ambry Variant Classification Scheme 2023. Collection method: clinical testing. Allele origin: germline.
Comment: The p.T879M variant (also known as c.2636C>T), located in coding exon 15 of the MYLK gene, results from a C to T substitution at nucleotide position 2636. The threonine at codon 879 is replaced by methionine, an amino acid with similar properties. This amino acid position is conserved. In addition, the in silico prediction for this alteration is inconclusive. Based on the available evidence, the clinical significance of this variant remains unclear.

NM_053025.4(MYLK):c.2636C>T (p.Thr879Met)

Gene: MYLK (myosin light chain kinase; minus strand). Cytogenetic location: 3q21.1.
Variant type: single nucleotide variant.
Coding change: c.2636C>T on transcript NM_053025.4 (MANE Select); coding-DNA position 2636, C replaced by T.
Protein change: p.Thr879Met; replaces threonine 879 with methionine.
Molecular consequence: missense variant.
Genome position (GRCh38, 1-based): chr3:123,700,832, G>A on the plus strand (C>T on the coding strand, the complement: MYLK is on the minus strand). VCF-style: chr3-123700832-G-A. GRCh37 (hg19) VCF-style: chr3-123419679-G-A.
Other names: c.2108C>T, p.Thr703Met (NM_001321309.2); c.2429C>T, p.Thr810Met (NM_053026.4, NM_053028.4); c.2636C>T, p.Thr879Met (NM_053027.4); short protein forms T703M, T879M, T810M.
Identifiers: ClinVar variation 5025214 (VCV005025214.1).